The following is an entry in ClinVar:

ClinVar aggregate classification (germline): Uncertain significance (1 of 4 stars; one submission).

Conditions:
Mucopolysaccharidosis, MPS-III-B (MPS3B). Also called: N-ACETYL-ALPHA-D-GLUCOSAMINIDASE DEFICIENCY; NAGLU DEFICIENCY; SANFILIPPO SYNDROME B; MPS III B; Mucopolysaccharidosis type IIIB (Sanfilippo B); MPS IIIB (Sanfilippo Syndrome Type B). Identifiers: Orphanet 79270, MedGen C0086648, MONDO:0009656, OMIM 252920.
Charcot-Marie-Tooth disease axonal type 2V. Also called: CHARCOT-MARIE-TOOTH NEUROPATHY, TYPE 2V; CHARCOT-MARIE-TOOTH DISEASE, AXONAL, AUTOSOMAL DOMINANT, TYPE 2V. Identifiers: Orphanet 447964, MedGen C5569050, MONDO:0014665, OMIM 616491.

gnomAD v4.1: 1 of 1,612,826 alleles (0.000062%); highest among the groups gnomAD compares: Admixed American, 0.0017%; no homozygotes.

Submission:

Labcorp Genetics (formerly Invitae), Labcorp
Classification: Uncertain significance for Charcot-Marie-Tooth disease axonal type 2V; Mucopolysaccharidosis, MPS-III-B. Last evaluated: 2022-06-16. Review status: criteria provided, single submitter. Criteria: Invitae Variant Classification Sherloc (09022015). Collection method: clinical testing. Allele origin: germline.
Comment: This sequence change replaces threonine, which is neutral and polar, with isoleucine, which is neutral and non-polar, at codon 339 of the NAGLU protein (p.Thr339Ile). This variant is not present in population databases (gnomAD no frequency). This variant has not been reported in the literature in individuals affected with NAGLU-related conditions. Advanced modeling of protein sequence and biophysical properties (such as structural, functional, and spatial information, amino acid conservation, physicochemical variation, residue mobility, and thermodynamic stability) performed at Invitae indicates that this missense variant is not expected to disrupt NAGLU protein function. In summary, the available evidence is currently insufficient to determine the role of this variant in disease. Therefore, it has been classified as a Variant of Uncertain Significance.

NM_000263.4(NAGLU):c.1016C>T (p.Thr339Ile)

Gene: NAGLU (N-acetyl-alpha-glucosaminidase; plus strand). Cytogenetic location: 17q21.2.
Variant type: single nucleotide variant.
Coding change: c.1016C>T on transcript NM_000263.4 (MANE Select); coding-DNA position 1016, C replaced by T.
Protein change: p.Thr339Ile; replaces threonine 339 with isoleucine.
Molecular consequence: missense variant.
Genome position (GRCh38, 1-based): chr17:42,541,201, C>T. VCF-style: chr17-42541201-C-T. GRCh37 (hg19) VCF-style: chr17-40693219-C-T.
Other names: short protein forms T339I.
Identifiers: ClinVar variation 1957386 (VCV001957386.2), dbSNP rs1196007331, ClinGen allele CA399600416.
Genomic context (GRCh38, chr17:42,541,201, plus strand): 5'-CACCTTCCTCAGAGCCCTCCTACCTTGCCGCAGCCACCACTGCCGTCTATGAGGCCATGA[C>T]TGCAGGTACAGTGCCTGGGTGGGGTGGGAGAGCCCCCCAGACCCTCAAAAAGAAGGGAGT-3'
Protein context (NP_000254.2, residues 329-349): AATTAVYEAM[Thr339Ile]AVDTEAVWLL